The following is an entry in ClinVar:

NM_014991.6(WDFY3):c.9310G>C (p.Val3104Leu)

Gene: WDFY3 (WD repeat and FYVE domain containing 3; minus strand). Cytogenetic location: 4q21.23.
Variant type: single nucleotide variant.
Coding change: c.9310G>C on transcript NM_014991.6 (MANE Select); coding-DNA position 9310, G replaced by C.
Protein change: p.Val3104Leu; replaces valine 3104 with leucine.
Molecular consequence: missense variant.
Genome position (GRCh38, 1-based): chr4:84,690,559, C>G on the plus strand (G>C on the coding strand, the complement: WDFY3 is on the minus strand). VCF-style: chr4-84690559-C-G. GRCh37 (hg19) VCF-style: chr4-85611712-C-G.
Other names: short protein forms V3104L.
Identifiers: ClinVar variation 5009004 (VCV005009004.1).

ClinVar aggregate classification (germline): Uncertain significance (1 of 4 stars; one submission).

gnomAD v4.1: 2 of 1,614,200 alleles (0.00012%); highest among the groups gnomAD compares: Middle Eastern, 0.016%; no homozygotes.

Submission:

GeneDx
Classification: Uncertain significance. Last evaluated: 2026-03-14. Review status: criteria provided, single submitter. Criteria: GeneDx Variant Classification Process June 2021. Collection method: clinical testing. Allele origin: germline.
Comment: Not observed at significant frequency in large population cohorts (gnomAD); In silico analysis supports that this missense variant has a deleterious effect on protein structure/function; Has not been previously published as pathogenic or benign to our knowledge